The following is an entry in ClinVar:

NM_152680.3(TMEM154):c.507G>T (p.Lys169Asn)

Gene: TMEM154 (transmembrane protein 154; minus strand). Cytogenetic location: 4q31.3.
Variant type: single nucleotide variant.
Coding change: c.507G>T on transcript NM_152680.3 (MANE Select); coding-DNA position 507, G replaced by T.
Protein change: p.Lys169Asn; replaces lysine 169 with asparagine.
Molecular consequence: missense variant.
Genome position (GRCh38, 1-based): chr4:152,640,957, C>A on the plus strand (G>T on the coding strand, the complement: TMEM154 is on the minus strand). VCF-style: chr4-152640957-C-A. GRCh37 (hg19) VCF-style: chr4-153562109-C-A.
Other names: short protein forms K169N.
Identifiers: ClinVar variation 4845461 (VCV004845461.1).

ClinVar aggregate classification (germline): Uncertain significance (1 of 4 stars; one submission).

Submission:

Greenwood Genetic Center Diagnostic Laboratories, Greenwood Genetic Center
Classification: Uncertain significance. Last evaluated: 2025-11-13. Review status: criteria provided, single submitter. Criteria: ACMG Guidelines, 2015. Collection method: clinical testing. Allele origin: germline. Affected: yes.
Comment: Gene of Uncertain Significance